The following is an entry in ClinVar:

ClinVar aggregate classification (germline): Conflicting classifications of pathogenicity. Review status: criteria provided, conflicting classifications (1 of 4 stars). 6 submissions from 6 submitters: Uncertain significance (3); Likely benign (2). 1 of the submissions does not count toward it. Last evaluated 2025-09-07.

Conditions:
Bardet-Biedl syndrome 15 (BBS15). Identifiers: Orphanet 110, MedGen C3150127, MONDO:0014443, OMIM 615992.
Heart defect - tongue hamartoma - polysyndactyly syndrome. Also called: Congenital heart defects, hamartomas of tongue, and polysyndactyly. Identifiers: Orphanet 1338, MedGen C1857587, MONDO:0009008, OMIM 217085.
WDPCP-related disorder. Also called: WDPCP-related condition.
Bardet-Biedl syndrome (BBS). Identifiers: Orphanet 110, MedGen C0752166, MONDO:0015229.

Allele frequency attached by ClinVar (database versions not stated): gnomAD 0.00014 and 0.00017; ESP Exome Variant Server 0.00016; ExAC 0.00017; TOPMed 0.00018; 1000 Genomes Project 0.00040; 1000 Genomes Project 30x 0.00047.
gnomAD v4.1: 162 of 1,614,158 alleles (0.01%); highest among the groups gnomAD compares: East Asian, 0.12%; 2 homozygotes.

Submissions (6):

Labcorp Genetics (formerly Invitae), Labcorp
Classification: Uncertain significance for Bardet-Biedl syndrome. Last evaluated: 2025-09-07. Review status: criteria provided, single submitter. Criteria: Invitae Variant Classification Sherloc (09022015). Collection method: clinical testing. Allele origin: germline.
Comment: This sequence change replaces serine, which is neutral and polar, with leucine, which is neutral and non-polar, at codon 360 of the WDPCP protein (p.Ser360Leu). This variant is present in population databases (rs141011629, gnomAD 0.2%). This variant has not been reported in the literature in individuals affected with WDPCP-related conditions. ClinVar contains an entry for this variant (Variation ID: 336767). Invitae Evidence Modeling of protein sequence and biophysical properties (such as structural, functional, and spatial information, amino acid conservation, physicochemical variation, residue mobility, and thermodynamic stability) has been performed for this missense variant. However, the output from this modeling did not meet the statistical confidence thresholds required to predict the impact of this variant on WDPCP protein function. In summary, the available evidence is currently insufficient to determine the role of this variant in disease. Therefore, it has been classified as a Variant of Uncertain Significance.

Fulgent Genetics
Classification: Likely benign for Heart defect - tongue hamartoma - polysyndactyly syndrome; Bardet-Biedl syndrome 15. Last evaluated: 2024-03-15. Review status: criteria provided, single submitter. Criteria: ACMG Guidelines, 2015. Collection method: clinical testing. Allele origin: germline.

Blueprint Genetics
Classification: Likely benign. Last evaluated: 2023-08-11. Review status: criteria provided, single submitter. Criteria: ACMG Guidelines, 2015. Collection method: clinical testing. Allele origin: germline.

New York Genome Center
Classification: Uncertain significance for Heart defect - tongue hamartoma - polysyndactyly syndrome. Last evaluated: 2022-06-17. Review status: criteria provided, single submitter. Criteria: NYGC Assertion Criteria 2020. Collection method: clinical testing. Allele origin: germline. Observed: 1 heterozygote.

Illumina Laboratory Services, Illumina
Classification: Uncertain significance for Bardet-Biedl syndrome 15. Last evaluated: 2018-01-13. Review status: criteria provided, single submitter. Criteria: ICSL Variant Classification Criteria 13 December 2019. Collection method: clinical testing. Allele origin: germline.

PreventionGenetics, part of Exact Sciences
Classification: Likely benign for WDPCP-related condition. Last evaluated: 2022-05-27. Review status: no assertion criteria provided. Collection method: clinical testing. Allele origin: germline. Not counted in ClinVar's aggregate classification.
Comment: This variant is classified as likely benign based on ACMG/AMP sequence variant interpretation guidelines (Richards et al. 2015 PMID: 25741868, with internal and published modifications).

NM_015910.7(WDPCP):c.1079C>T (p.Ser360Leu)

Gene: WDPCP (WD repeat containing planar cell polarity effector; minus strand). Cytogenetic location: 2p15.
Variant type: single nucleotide variant.
Coding change: c.1079C>T on transcript NM_015910.7 (MANE Select); coding-DNA position 1079, C replaced by T.
Protein change: p.Ser360Leu; replaces serine 360 with leucine.
Molecular consequence: missense variant. On other transcripts: non-coding transcript variant (3).
Genome position (GRCh38, 1-based): chr2:63,404,404, G>A on the plus strand (C>T on the coding strand, the complement: WDPCP is on the minus strand). VCF-style: chr2-63404404-G-A. GRCh37 (hg19) VCF-style: chr2-63631539-G-A.
Other names: c.602C>T, p.Ser201Leu (NM_001042692.3); c.1007C>T, p.Ser336Leu (NM_001354044.2); c.1079C>T, p.Ser360Leu (NM_001354045.2); short protein forms S360L, S201L, S336L.
Identifiers: ClinVar variation 336767 (VCV000336767.16), dbSNP rs141011629, ClinGen allele CA1682291.